The following is an entry in ClinVar:

NM_000079.4(CHRNA1):c.978T>A (p.His326Gln)

Gene: CHRNA1 (cholinergic receptor nicotinic alpha 1 subunit; minus strand). Cytogenetic location: 2q31.1.
Variant type: single nucleotide variant.
Coding change: c.978T>A on transcript NM_000079.4 (MANE Select); coding-DNA position 978, T replaced by A.
Protein change: p.His326Gln; replaces histidine 326 with glutamine.
Molecular consequence: missense variant.
Genome position (GRCh38, 1-based): chr2:174,749,970, A>T on the plus strand (T>A on the coding strand, the complement: CHRNA1 is on the minus strand). VCF-style: chr2-174749970-A-T. GRCh37 (hg19) VCF-style: chr2-175614698-A-T.
Other names: c.1053T>A, p.His351Gln (NM_001039523.3); short protein forms H351Q, H326Q.
Identifiers: ClinVar variation 653404 (VCV000653404.8), dbSNP rs1574003456, ClinGen allele CA349336037.

ClinVar aggregate classification (germline): Uncertain significance (1 of 4 stars; one submission).

Conditions:
Lethal multiple pterygium syndrome (LMPS). Identifiers: Orphanet 33108, MedGen C1854678, MONDO:0009668, OMIM 253290.

Submission:

Labcorp Genetics (formerly Invitae), Labcorp
Classification: Uncertain significance for Lethal multiple pterygium syndrome. Last evaluated: 2024-09-11. Review status: criteria provided, single submitter. Criteria: Invitae Variant Classification Sherloc (09022015). Collection method: clinical testing. Allele origin: germline.
Comment: This sequence change replaces histidine, which is basic and polar, with glutamine, which is neutral and polar, at codon 326 of the CHRNA1 protein (p.His326Gln). This variant is not present in population databases (gnomAD no frequency). This variant has not been reported in the literature in individuals affected with CHRNA1-related conditions. ClinVar contains an entry for this variant (Variation ID: 653404). Invitae Evidence Modeling of protein sequence and biophysical properties (such as structural, functional, and spatial information, amino acid conservation, physicochemical variation, residue mobility, and thermodynamic stability) indicates that this missense variant is not expected to disrupt CHRNA1 protein function with a negative predictive value of 80%. In summary, the available evidence is currently insufficient to determine the role of this variant in disease. Therefore, it has been classified as a Variant of Uncertain Significance.